The following is an entry in ClinVar:

ClinVar aggregate classification (germline): Likely benign. Review status: criteria provided, multiple submitters, no conflicts (2 of 4 stars). 3 submissions from 3 submitters: Likely benign (3). Last evaluated 2024-10-01.

Conditions:
Hypertrophic cardiomyopathy. Also called: HYPERTROPHIC MYOCARDIOPATHY. Identifiers: Orphanet 217569, MedGen C0007194, MeSH D002312, MONDO:0005045, HP:0001639.
Cardiomyopathy (CMYO). Also called: Cardiomyopathies. Identifiers: Orphanet 167848, MedGen C0878544, MONDO:0004994, HP:0001638. Inheritance: Various modes of inheritance.

Allele frequency attached by ClinVar (database versions not stated): gnomAD exomes below 0.00001; gnomAD 0.00001; TOPMed 0.00001.
gnomAD v4.1: 7 of 1,614,048 alleles (0.00043%); highest among the groups gnomAD compares: African/African-American, 0.0027%; no homozygotes.

Submissions (3):

Labcorp Genetics (formerly Invitae), Labcorp
Classification: Likely benign for Hypertrophic cardiomyopathy. Last evaluated: 2024-10-01. Review status: criteria provided, single submitter. Criteria: Invitae Variant Classification Sherloc (09022015). Collection method: clinical testing. Allele origin: germline.

All of Us Research Program, National Institutes of Health
Classification: Likely benign for Cardiomyopathy. Last evaluated: 2023-12-18. Review status: criteria provided, single submitter. Criteria: ACMG Guidelines, 2015. Collection method: clinical testing. Allele origin: germline. Inheritance: Autosomal dominant inheritance. Observed: 3 variant alleles, 3 heterozygotes.
Comment: This study involves interpretation of variants in research participants for the purpose of population health screening. Participant phenotype was not available at the time of variant classification. Additional details can be found in publication PMID: 35346344, PMCID: PMC8962531

Color Diagnostics, LLC DBA Color Health
Classification: Likely benign for Cardiomyopathy. Last evaluated: 2019-01-06. Review status: criteria provided, single submitter. Criteria: ACMG Guidelines, 2015. Collection method: clinical testing. Allele origin: germline.

NM_000257.4(MYH7):c.733-11C>T

Gene: MYH7 (myosin heavy chain 7; minus strand). Cytogenetic location: 14q11.2.
Variant type: single nucleotide variant.
Coding change: c.733-11C>T on transcript NM_000257.4 (MANE Select); 11 bases into the intron before coding-DNA position 733, C replaced by T.
Molecular consequence: intron variant.
Genome position (GRCh38, 1-based): chr14:23,431,492, G>A on the plus strand (C>T on the coding strand, the complement: MYH7 is on the minus strand). VCF-style: chr14-23431492-G-A. GRCh37 (hg19) VCF-style: chr14-23900701-G-A.
Identifiers: ClinVar variation 923076 (VCV000923076.5), dbSNP rs1191858525, ClinGen allele CA613317771.